The following is an entry in ClinVar:

ClinVar aggregate classification (germline): Pathogenic/Likely pathogenic. Review status: criteria provided, multiple submitters, no conflicts (2 of 4 stars). 6 submissions from 6 submitters: Pathogenic (2); Likely pathogenic (3). 1 of the submissions does not count toward it. Last evaluated 2025-07-15.

Conditions:
Cystic fibrosis (CF). Also called: MUCOVISCIDOSIS. Identifiers: Orphanet 586, MedGen C0010674, MONDO:0009061, OMIM 219700. Disease mechanism: loss of function.
CFTR-related disorder (CFTR-RD). Also called: CFTR-related disorders; CFTR-related condition. Identifiers: MedGen C5924204, MONDO:7770004.
Bronchiectasis with or without elevated sweat chloride 1 (BESC1). Also called: Cystic Fibrosis-Like Syndrome. Identifiers: Orphanet 60033, MedGen C2749757, MONDO:0008887, OMIM 211400.
Hereditary pancreatitis (PCTT). Also called: Hereditary chronic pancreatitis; PRSS1-Related Hereditary Pancreatitis. Identifiers: Orphanet 676, MedGen C0238339, MONDO:0008185, OMIM 167800.
Congenital bilateral aplasia of vas deferens from CFTR mutation (CBAVD). Identifiers: Orphanet 48, MedGen C0403814, MONDO:0010178, OMIM 277180. Disease mechanism: loss of function.

Submissions (6):

Natera, Inc.
Classification: Likely pathogenic for CFTR-related disorders. Last evaluated: 2025-07-15. Review status: criteria provided, single submitter. Criteria: Natera Variant Classification Schema (03/2026). Collection method: clinical testing. Allele origin: germline.
Comment: The c.2475_2478dupCGAA variant in CFTR is a frameshift variant predicted to shift the reading frame beginning at codon 827 and leads to a stop codon 10 codons downstream. This variant is expected to result in nonsense mediated decay, truncation, or a dysfunctional protein product. This variant is rare in the general population with a frequency below the threshold expected for the associated phenotype(s). Given the available evidence, this variant is classified as Likely Pathogenic.

Labcorp Genetics (formerly Invitae), Labcorp
Classification: Pathogenic for Cystic fibrosis. Last evaluated: 2024-05-24. Review status: criteria provided, single submitter. Criteria: Invitae Variant Classification Sherloc (09022015). Collection method: clinical testing. Allele origin: germline.
Comment: This sequence change creates a premature translational stop signal (p.Glu827Argfs*10) in the CFTR gene. It is expected to result in an absent or disrupted protein product. Loss-of-function variants in CFTR are known to be pathogenic (PMID: 1695717, 7691345, 9725922). This variant is not present in population databases (gnomAD no frequency). This premature translational stop signal has been observed in individual(s) with cystic fibrosis (PMID: 36038301). ClinVar contains an entry for this variant (Variation ID: 552143). For these reasons, this variant has been classified as Pathogenic.

Fulgent Genetics
Classification: Likely pathogenic for Hereditary pancreatitis; Bronchiectasis with or without elevated sweat chloride 1; Cystic fibrosis; Congenital bilateral aplasia of vas deferens from CFTR mutation. Last evaluated: 2024-04-01. Review status: criteria provided, single submitter. Criteria: ACMG Guidelines, 2015. Collection method: clinical testing. Allele origin: germline.

Women's Health and Genetics/Laboratory Corporation of America, LabCorp
Classification: Pathogenic for Cystic fibrosis. Last evaluated: 2024-01-08. Review status: criteria provided, single submitter. Criteria: LabCorp Variant Classification Summary - May 2015. Collection method: clinical testing. Allele origin: germline.
Comment: Variant summary: CFTR c.2475_2478dupCGAA (p.Glu827ArgfsX10) results in a premature termination codon and is expected to cause absence of the protein due to nonsense mediated decay, a commonly known mechanism for disease. The variant was absent in 192680 control chromosomes (gnomAD). c.2475_2478dupCGAA has been reported in the literature in at least one individual affected with Cystic Fibrosis (e.g. Shen_2022). These data suggest the variant is very likely associated with disease. To our knowledge, no experimental evidence demonstrating an impact on protein function has been reported. The following publication has been ascertained in the context of this evaluation (PMID: 35858753). ClinVar contains an entry for this variant (Variation ID: 552143). Based on the evidence outlined above, the variant was classified as pathogenic.

Baylor Genetics
Classification: Likely pathogenic for Bronchiectasis with or without elevated sweat chloride 1. Last evaluated: 2023-05-17. Review status: criteria provided, single submitter. Criteria: ACMG Guidelines, 2015. Collection method: clinical testing. Allele origin: unknown.

Counsyl
Classification: Likely pathogenic for Cystic fibrosis. Last evaluated: 2017-05-24. Review status: no assertion criteria provided. Collection method: clinical testing. Allele origin: unknown. Not counted in ClinVar's aggregate classification.

Literature cited by the submitters: PubMed 1695717 (cited by Labcorp Genetics (formerly Invitae), Labcorp); PubMed 7691345 (cited by Labcorp Genetics (formerly Invitae), Labcorp); PubMed 9725922 (cited by Labcorp Genetics (formerly Invitae), Labcorp); PubMed 36038301 (cited by Labcorp Genetics (formerly Invitae), Labcorp); PubMed 35858753 (cited by Women's Health and Genetics/Laboratory Corporation of America, LabCorp).

NM_000492.4(CFTR):c.2475_2478dup (p.Glu827fs)

Gene: CFTR (CF transmembrane conductance regulator; plus strand). Cytogenetic location: 7q31.2.
Variant type: Duplication.
Coding change: c.2475_2478dup on transcript NM_000492.4 (MANE Select); coding-DNA positions 2475 to 2478, 4 bases duplicated (CGAA; older notation c.2475_2478dupCGAA).
Protein change: p.Glu827fs; shifts the reading frame from glutamic acid 827.
Molecular consequence: frameshift variant.
Genome position (GRCh38, 1-based): chr7:117,592,642-117,592,645, CGAA duplicated; duplicating any 4 consecutive bases within chr7:117,592,640-117,592,645 gives the same sequence; the c. name uses the placement nearest the transcript's 3' end. VCF-style (leftmost placement, unchanged base first): chr7-117592639-T-TAACG. GRCh37 (hg19) VCF-style: chr7-117232693-T-TAACG.
Other names: c.2475_2478dupCGAA (NM_000492.3, NM_000492.4); short protein forms E827fs.
Identifiers: ClinVar variation 552143 (VCV000552143.12), dbSNP rs1554389486, ClinGen allele CA658822501.